The following is an entry in ClinVar:

NM_000038.6(APC):c.2867A>G (p.Tyr956Cys)

Gene: APC (APC regulator of Wnt signaling pathway; plus strand). Cytogenetic location: 5q22.2.
Variant type: single nucleotide variant.
Coding change: c.2867A>G on transcript NM_000038.6 (MANE Select); coding-DNA position 2867, A replaced by G.
Protein change: p.Tyr956Cys; replaces tyrosine 956 with cysteine.
Molecular consequence: missense variant.
Genome position (GRCh38, 1-based): chr5:112,838,461, A>G. VCF-style: chr5-112838461-A-G. GRCh37 (hg19) VCF-style: chr5-112174158-A-G.
Other names: c.2867A>G, p.Tyr956Cys (NM_001127510.3, NM_001354895.2); c.2813A>G, p.Tyr938Cys (NM_001127511.3); c.2921A>G, p.Tyr974Cys (NM_001354896.2); c.2897A>G, p.Tyr966Cys (NM_001354897.2); c.2792A>G, p.Tyr931Cys (NM_001354898.2); c.2783A>G, p.Tyr928Cys (NM_001354899.2); c.2744A>G, p.Tyr915Cys (NM_001354900.2); c.2690A>G, p.Tyr897Cys (NM_001354901.2); and 5 more; short protein forms Y938C, Y956C, Y966C, Y974C, Y897C, Y931C, Y796C, Y855C.
Identifiers: ClinVar variation 490254 (VCV000490254.12), dbSNP rs1554084554, ClinGen allele CA16027585.

ClinVar aggregate classification (germline): Uncertain significance. Review status: criteria provided, multiple submitters, no conflicts (2 of 4 stars). 2 submissions from 2 submitters: Uncertain significance (2). Last evaluated 2025-07-31.

Conditions:
Familial adenomatous polyposis 1 (FAP1). Also called: POLYPOSIS, ADENOMATOUS INTESTINAL; FAMILIAL ADENOMATOUS POLYPOSIS 1, ATTENUATED. Identifiers: MedGen C2713442, MONDO:0021056, OMIM 175100. Disease mechanism: loss of function.
Hereditary cancer-predisposing syndrome. Also called: Hereditary Cancer Syndrome; Neoplastic Syndromes, Hereditary; Tumor predisposition; Hereditary neoplastic syndrome. Identifiers: Orphanet 140162, MedGen C0027672, MeSH D009386, MONDO:0015356.

Allele frequency attached by ClinVar (database versions not stated): gnomAD exomes below 0.00001.
gnomAD v4.1: 1 of 1,614,242 alleles (0.000062%); highest among the groups gnomAD compares: Non-Finnish European, 0.000085%; no homozygotes.

Submissions (2):

Labcorp Genetics (formerly Invitae), Labcorp
Classification: Uncertain significance for Familial adenomatous polyposis 1. Last evaluated: 2025-07-31. Review status: criteria provided, single submitter. Criteria: Invitae Variant Classification Sherloc (09022015). Collection method: clinical testing. Allele origin: germline.
Comment: This sequence change replaces tyrosine, which is neutral and polar, with cysteine, which is neutral and slightly polar, at codon 956 of the APC protein (p.Tyr956Cys). This variant is not present in population databases (gnomAD no frequency). This variant has not been reported in the literature in individuals affected with APC-related conditions. ClinVar contains an entry for this variant (Variation ID: 490254). Invitae Evidence Modeling of protein sequence and biophysical properties (such as structural, functional, and spatial information, amino acid conservation, physicochemical variation, residue mobility, and thermodynamic stability) indicates that this missense variant is not expected to disrupt APC protein function with a negative predictive value of 95%. In summary, the available evidence is currently insufficient to determine the role of this variant in disease. Therefore, it has been classified as a Variant of Uncertain Significance.

Color Diagnostics, LLC DBA Color Health
Classification: Uncertain significance for Hereditary cancer-predisposing syndrome. Last evaluated: 2023-12-05. Review status: criteria provided, single submitter. Criteria: ACMG Guidelines, 2015. Collection method: clinical testing. Allele origin: germline.
Comment: This missense variant replaces tyrosine with cysteine at codon 956 of the APC protein. Computational prediction suggests that this variant may not impact protein structure and function (internally defined REVEL score threshold <= 0.5, PMID: 27666373). To our knowledge, functional studies have not been reported for this variant. This variant has not been reported in individuals affected with APC-related disorders in the literature. This variant has not been identified in the general population by the Genome Aggregation Database (gnomAD). The available evidence is insufficient to determine the role of this variant in disease conclusively. Therefore, this variant is classified as a Variant of Uncertain Significance.